The following is an entry in ClinVar:

NM_080911.3(UNG):c.77C>A (p.Pro26Gln)

Gene: UNG (uracil DNA glycosylase; plus strand). Cytogenetic location: 12q24.11.
Variant type: single nucleotide variant.
Coding change: c.77C>A on transcript NM_080911.3 (MANE Select); coding-DNA position 77, C replaced by A.
Protein change: p.Pro26Gln; replaces proline 26 with glutamine.
Molecular consequence: missense variant.
Genome position (GRCh38, 1-based): chr12:109,097,756, C>A. VCF-style: chr12-109097756-C-A. GRCh37 (hg19) VCF-style: chr12-109535561-C-A.
Other names: short protein forms P26Q.
Identifiers: ClinVar variation 1975332 (VCV001975332.5), dbSNP rs775369845, ClinGen allele CA386468754.

ClinVar aggregate classification (germline): Uncertain significance (1 of 4 stars; one submission).

Conditions:
Hyper-IgM syndrome type 5 (HIGM5). Also called: Hyper-IgM Immunodeficiency Syndrome, Type 5. Identifiers: Orphanet 101092, MedGen C1720958, MONDO:0011971, OMIM 608106.

Submission:

Labcorp Genetics (formerly Invitae), Labcorp
Classification: Uncertain significance for Hyper-IgM syndrome type 5. Last evaluated: 2022-03-07. Review status: criteria provided, single submitter. Criteria: Invitae Variant Classification Sherloc (09022015). Collection method: clinical testing. Allele origin: germline.
Comment: This variant is not present in population databases (gnomAD no frequency). This sequence change replaces proline, which is neutral and non-polar, with glutamine, which is neutral and polar, at codon 26 of the UNG protein (p.Pro26Gln). This variant has not been reported in the literature in individuals affected with UNG-related conditions. In summary, the available evidence is currently insufficient to determine the role of this variant in disease. Therefore, it has been classified as a Variant of Uncertain Significance. Algorithms developed to predict the effect of missense changes on protein structure and function (SIFT, PolyPhen-2, Align-GVGD) all suggest that this variant is likely to be tolerated.